The following is an entry in ClinVar:

NM_000057.4(BLM):c.1690G>A (p.Asp564Asn)

Gene: BLM (BLM RecQ like helicase; plus strand). Cytogenetic location: 15q26.1.
Variant type: single nucleotide variant.
Coding change: c.1690G>A on transcript NM_000057.4 (MANE Select); coding-DNA position 1690, G replaced by A.
Protein change: p.Asp564Asn; replaces aspartic acid 564 with asparagine.
Molecular consequence: missense variant.
Genome position (GRCh38, 1-based): chr15:90,761,063, G>A. VCF-style: chr15-90761063-G-A. GRCh37 (hg19) VCF-style: chr15-91304293-G-A.
Other names: c.1690G>A, p.Asp564Asn (NM_001287246.2, NM_001287247.2); c.565G>A, p.Asp189Asn (NM_001287248.2); short protein forms D189N, D564N.
Identifiers: ClinVar variation 3008318 (VCV003008318.4), dbSNP rs2505428109, ClinGen allele CA393843625.
Genomic context (GRCh38, chr15:90,761,063, plus strand): 5'-GAAAGAGAAACCCAACCTTCCTATGATATTGATAATTTTGACATAGATGACTTTGATGAT[G>A]ATGATGACTGGGAAGACATAATGCATAATTTAGCAGCCAGCAAATCTTCCACAGCTGCCT-3'
Protein context (NP_000048.1, residues 554-574): DNFDIDDFDD[Asp564Asn]DDWEDIMHNL

ClinVar aggregate classification (germline): Uncertain significance. Review status: criteria provided, multiple submitters, no conflicts (2 of 4 stars). 2 submissions from 2 submitters: Uncertain significance (2). Last evaluated 2024-04-24.

Conditions:
Hereditary cancer-predisposing syndrome. Also called: Hereditary Cancer Syndrome; Neoplastic Syndromes, Hereditary; Tumor predisposition; Hereditary neoplastic syndrome. Identifiers: Orphanet 140162, MedGen C0027672, MeSH D009386, MONDO:0015356.
Bloom syndrome (BLM). Also called: Bloom-Torre-Machacek syndrome. Identifiers: Orphanet 125, MedGen C0005859, MONDO:0008876, OMIM 210900.

Allele frequency attached by ClinVar (database versions not stated): gnomAD exomes below 0.00001.
gnomAD v4.1: 2 of 1,582,778 alleles (0.00013%); highest among the groups gnomAD compares: South Asian, 0.0023%; no homozygotes.

Submissions (2):

Labcorp Genetics (formerly Invitae), Labcorp
Classification: Uncertain significance for Bloom syndrome. Last evaluated: 2024-04-24. Review status: criteria provided, single submitter. Criteria: Invitae Variant Classification Sherloc (09022015). Collection method: clinical testing. Allele origin: germline.
Comment: This sequence change replaces aspartic acid, which is acidic and polar, with asparagine, which is neutral and polar, at codon 564 of the BLM protein (p.Asp564Asn). This variant is not present in population databases (gnomAD no frequency). This variant has not been reported in the literature in individuals affected with BLM-related conditions. Advanced modeling of protein sequence and biophysical properties (such as structural, functional, and spatial information, amino acid conservation, physicochemical variation, residue mobility, and thermodynamic stability) performed at Invitae indicates that this missense variant is not expected to disrupt BLM protein function with a negative predictive value of 80%. In summary, the available evidence is currently insufficient to determine the role of this variant in disease. Therefore, it has been classified as a Variant of Uncertain Significance.

Ambry Genetics
Classification: Uncertain significance for Hereditary cancer-predisposing syndrome. Last evaluated: 2024-04-13. Review status: criteria provided, single submitter. Criteria: Ambry Variant Classification Scheme 2023. Collection method: clinical testing. Allele origin: germline.
Comment: The p.D564N variant (also known as c.1690G>A), located in coding exon 6 of the BLM gene, results from a G to A substitution at nucleotide position 1690. The aspartic acid at codon 564 is replaced by asparagine, an amino acid with highly similar properties. This amino acid position is conserved. In addition, this alteration is predicted to be tolerated by in silico analysis. Based on the available evidence, the clinical significance of this variant remains unclear.